The following is an entry in ClinVar:

NM_000264.5(PTCH1):c.1325T>C (p.Val442Ala)

Gene: PTCH1 (patched 1; minus strand). Cytogenetic location: 9q22.32.
Variant type: single nucleotide variant.
Coding change: c.1325T>C on transcript NM_000264.5 (MANE Select); coding-DNA position 1325, T replaced by C.
Protein change: p.Val442Ala; replaces valine 442 with alanine.
Molecular consequence: missense variant. On other transcripts: non-coding transcript variant (1).
Genome position (GRCh38, 1-based): chr9:95,478,077, A>G on the plus strand (T>C on the coding strand, the complement: PTCH1 is on the minus strand). VCF-style: chr9-95478077-A-G. GRCh37 (hg19) VCF-style: chr9-98240359-A-G.
Other names: c.1127T>C, p.Val376Ala (NM_001083602.3); c.1322T>C, p.Val441Ala (NM_001083603.3); c.872T>C, p.Val291Ala (NM_001083604.3, NM_001083605.3, NM_001083606.3 and 1 more transcripts); c.1325T>C, p.Val442Ala (NM_001354918.2); short protein forms V441A, V291A, V376A, V442A.
Identifiers: ClinVar variation 3572020 (VCV003572020.1).

ClinVar aggregate classification (germline): Uncertain significance (1 of 4 stars; one submission).

Submission:

Quest Diagnostics Nichols Institute San Juan Capistrano
Classification: Uncertain significance. Last evaluated: 2024-10-26. Review status: criteria provided, single submitter. Criteria: Quest Diagnostics criteria. Collection method: clinical testing. Allele origin: unknown.
Comment: The PTCH1 c.1325T>C (p.Val442Ala) variant has not been reported in individuals with PTCH1-related conditions in the published literature. It also has not been reported in large, multi-ethnic general populations (Genome Aggregation Database). Analysis of this variant using bioinformatics tools for the prediction of the effect of amino acid changes on protein structure and function yielded predictions that this variant is damaging. Based on the available information, we are unable to determine the clinical significance of this variant.